The following is an entry in ClinVar:

NM_000297.4(PKD2):c.1279_1280del (p.Tyr429fs)

Gene: PKD2 (polycystin 2, transient receptor potential cation channel; plus strand). Cytogenetic location: 4q22.1.
Variant type: Microsatellite.
Coding change: c.1279_1280del on transcript NM_000297.4 (MANE Select); coding-DNA positions 1279 to 1280, 2 bases deleted (TC; older notation c.1279_1280delTC).
Protein change: p.Tyr429fs; shifts the reading frame from tyrosine 429.
Molecular consequence: frameshift variant. On other transcripts: non-coding transcript variant (1), intron variant (1).
Genome position (GRCh38, 1-based): chr4:88,043,417-88,043,418, TC deleted; deleting any 2 consecutive bases within chr4:88,043,415-88,043,418 gives the same sequence; the c. name uses the placement nearest the transcript's 3' end. VCF-style (leftmost placement, unchanged base first): chr4-88043414-TTC-T. GRCh37 (hg19) VCF-style: chr4-88964566-TTC-T.
Other names: c.1095-3225_1095-3224del (NM_001440544.1); short protein forms Y429fs.
Identifiers: ClinVar variation 5038241 (VCV005038241.1).
Genomic context (GRCh38, chr4:88,043,414, plus strand): 5'-GTTGCTAGCCTCAAGAAAAATGTCTGGCTGGACCGAGGAACCAGGGCAACTTTTATTGAC[TTC>T]TCAGTGTACAACGCCAACATTAACCTGTTCTGTGTGGTCAGGTGTGTACTGAGGACATGC-3'

ClinVar aggregate classification (germline): Pathogenic (1 of 4 stars; one submission).

Conditions:
Polycystic kidney disease 2 (PKD2). Also called: Polycystic Kidney Disease 2, Autosomal Dominant; POLYCYSTIC KIDNEY DISEASE 2 WITH OR WITHOUT POLYCYSTIC LIVER DISEASE; POLYCYSTIC KIDNEY DISEASE, ADULT, TYPE II. Identifiers: MedGen C2751306, MONDO:0013131, OMIM 613095.

Submission:

MVZ Medizinische Genetik Mainz
Classification: Pathogenic for Polycystic kidney disease 2. Last evaluated: 2026-04-16. Review status: criteria provided, single submitter. Criteria: UK Practice Guidelines For Variant Classification V4 01 2020. Collection method: clinical testing. Allele origin: germline. Inheritance: Autosomal dominant inheritance. Affected: yes. Observed: 1 variant allele.
Comment: ACMG Criteria: PVS1,PM2_SUP,PP4